The following is an entry in ClinVar:

NM_015544.3(TMEM98):c.468C>T (p.Asp156=)

Gene: TMEM98 (transmembrane protein 98; plus strand). Cytogenetic location: 17q11.2.
Variant type: single nucleotide variant.
Coding change: c.468C>T on transcript NM_015544.3 (MANE Select); coding-DNA position 468, C replaced by T.
Protein change: p.Asp156=; no amino-acid change (aspartic acid 156 retained).
Molecular consequence: synonymous variant.
Genome position (GRCh38, 1-based): chr17:32,939,531, C>T. VCF-style: chr17-32939531-C-T. GRCh37 (hg19) VCF-style: chr17-31266549-C-T.
Other names: c.468C>T, p.Asp156= (NM_001033504.2, NM_001301746.2).
Identifiers: ClinVar variation 3031537 (VCV003031537.2), dbSNP rs150239100, ClinGen allele CA8494480.
Genomic context (GRCh38, chr17:32,939,531, plus strand): 5'-GGTCAGGGTGGATGATGTTGTGAAGTCGATGTACCCTCCGTTGGACCCCAAACTCCTGGA[C>T]GCACGGTGAGACCAGGGGTGGGTGCATGTTCGGTTTTTCATGCAGAGGTCCACAACCGTT-3'
Protein context (NP_056359.2, residues 146-166): MYPPLDPKLL[Asp156=]ARTTALLLSV

ClinVar aggregate classification (germline): Likely benign (0 of 4 stars; one submission).

Conditions:
TMEM98-related disorder. Also called: TMEM98-related condition.

Allele frequency attached by ClinVar (database versions not stated): ExAC 0.00002; gnomAD 0.00003; TOPMed 0.00003; ESP Exome Variant Server 0.00015.
gnomAD v4.1: 32 of 1,614,118 alleles (0.002%); highest among the groups gnomAD compares: Admixed American, 0.0033%; no homozygotes.

Submission:

PreventionGenetics, part of Exact Sciences
Classification: Likely benign for TMEM98-related condition. Last evaluated: 2021-02-10. Review status: no assertion criteria provided. Collection method: clinical testing. Allele origin: germline.
Comment: This variant is classified as likely benign based on ACMG/AMP sequence variant interpretation guidelines (Richards et al. 2015 PMID: 25741868, with internal and published modifications).